The following is an entry in ClinVar:

ClinVar aggregate classification (germline): Likely benign. Review status: criteria provided, multiple submitters, no conflicts (2 of 4 stars). 3 submissions from 3 submitters: Likely benign (2). 1 of the submissions does not count toward it. Last evaluated 2025-03-06.

Conditions:
Inborn genetic diseases. Identifiers: MedGen C0950123, MeSH D030342.
MYT1L-related disorder. Also called: MYT1L-related condition.

Allele frequency attached by ClinVar (database versions not stated): ExAC 0.00005; gnomAD 0.00007; TOPMed 0.00008; gnomAD exomes 0.00017.
gnomAD v4.1: 241 of 1,551,062 alleles (0.016%); highest among the groups gnomAD compares: Non-Finnish European, 0.021%; no homozygotes.

Submissions (3):

Ambry Genetics
Classification: Likely benign for Inborn genetic diseases. Last evaluated: 2025-03-06. Review status: criteria provided, single submitter. Criteria: Ambry Variant Classification Scheme 2023. Collection method: clinical testing. Allele origin: germline.

CeGaT Center for Human Genetics Tuebingen
Classification: Likely benign. Last evaluated: 2024-12-01. Review status: criteria provided, single submitter. Criteria: CeGaT Center For Human Genetics Tuebingen Variant Classification Criteria Version 2. Collection method: clinical testing. Allele origin: germline. Affected: yes. Observed: 2 variant alleles.
Comment: MYT1L: BS2

PreventionGenetics, part of Exact Sciences
Classification: Likely benign for MYT1L-related condition. Last evaluated: 2023-04-19. Review status: no assertion criteria provided. Collection method: clinical testing. Allele origin: germline. Not counted in ClinVar's aggregate classification.
Comment: This variant is classified as likely benign based on ACMG/AMP sequence variant interpretation guidelines (Richards et al. 2015 PMID: 25741868, with internal and published modifications).

NM_001303052.2(MYT1L):c.2801A>G (p.Lys934Arg)

Gene: MYT1L (myelin transcription factor 1 like; minus strand). Cytogenetic location: 2p25.3.
Variant type: single nucleotide variant.
Coding change: c.2801A>G on transcript NM_001303052.2 (MANE Select); coding-DNA position 2801, A replaced by G.
Protein change: p.Lys934Arg; replaces lysine 934 with arginine.
Molecular consequence: missense variant.
Genome position (GRCh38, 1-based): chr2:1,840,817, T>C on the plus strand (A>G on the coding strand, the complement: MYT1L is on the minus strand). VCF-style: chr2-1840817-T-C. GRCh37 (hg19) VCF-style: chr2-1844589-T-C.
Other names: c.2801A>G (NM_001303052.1); c.2795A>G (NM_015025.2); c.2801A>G, p.Lys934Arg (NM_001329844.2, NM_001329845.1, NM_001329851.3); c.2795A>G, p.Lys932Arg (NM_001329846.3, NM_001329847.2, NM_001329848.1 and 3 more transcripts); short protein forms K932R, K934R.
Identifiers: ClinVar variation 3025956 (VCV003025956.24), dbSNP rs762193262, ClinGen allele CA1513945.